The following is an entry in ClinVar:

ClinVar aggregate classification (germline): Uncertain significance (1 of 4 stars; one submission).

Submission:

GeneDx
Classification: Uncertain significance. Last evaluated: 2025-01-27. Review status: criteria provided, single submitter. Criteria: GeneDx Variant Classification Process June 2021. Collection method: clinical testing. Allele origin: germline. Affected: yes.
Comment: In-frame deletion of 1 amino acid in a non-repeat region; Not observed at significant frequency in large population cohorts (gnomAD); In silico analysis supports a deleterious effect on protein structure/function; Has not been previously published as pathogenic or benign to our knowledge

NM_002971.6(SATB1):c.1752_1754del (p.Ile585del)

Gene: SATB1 (SATB homeobox 1; minus strand). Cytogenetic location: 3p24.3.
Variant type: Deletion.
Coding change: c.1752_1754del on transcript NM_002971.6 (MANE Select); coding-DNA positions 1752 to 1754, 3 bases deleted (TAT; older notation c.1752_1754delTAT).
Protein change: p.Ile585del; deletes isoleucine 585.
Molecular consequence: inframe deletion.
Genome position (GRCh38, 1-based): chr3:18,352,017-18,352,019, ATA deleted on the plus strand (TAT on the coding strand, the reverse complement: SATB1 is on the minus strand); deleting any 3 consecutive bases within chr3:18,352,017-18,352,021 gives the same sequence; the c. name uses the placement nearest the transcript's 3' end. VCF-style (leftmost placement, unchanged base first): chr3-18352016-GATA-G. GRCh37 (hg19) VCF-style: chr3-18393508-GATA-G.
Other names: c.1752_1754del, p.Ile585del (NM_001131010.4, NM_001195470.3, NM_001322871.2 and 4 more transcripts); c.1536_1538del, p.Ile513del (NM_001322876.2); short protein forms I513del, I585del.
Identifiers: ClinVar variation 4071613 (VCV004071613.1).